The following is an entry in ClinVar:

NM_145167.3(PIGM):c.1148A>T (p.Lys383Met)

Gene: PIGM (phosphatidylinositol glycan anchor biosynthesis class M; minus strand). Cytogenetic location: 1q23.2.
Variant type: single nucleotide variant.
Coding change: c.1148A>T on transcript NM_145167.3 (MANE Select); coding-DNA position 1148, A replaced by T.
Protein change: p.Lys383Met; replaces lysine 383 with methionine.
Molecular consequence: missense variant.
Genome position (GRCh38, 1-based): chr1:160,030,592, T>A on the plus strand (A>T on the coding strand, the complement: PIGM is on the minus strand). VCF-style: chr1-160030592-T-A. GRCh37 (hg19) VCF-style: chr1-160000382-T-A.
Other names: short protein forms K383M.
Identifiers: ClinVar variation 3719397 (VCV003719397.2).

ClinVar aggregate classification (germline): Uncertain significance (1 of 4 stars; one submission).

Conditions:
Hypercoagulability syndrome due to glycosylphosphatidylinositol deficiency (GPIBD1). Also called: GLYCOSYLPHOSPHATIDYLINOSITOL BIOSYNTHESIS DEFECT 1. Identifiers: Orphanet 83639, MedGen C5201145, MONDO:0012465, OMIM 610293.

Submission:

Labcorp Genetics (formerly Invitae), Labcorp
Classification: Uncertain significance for Hypercoagulability syndrome due to glycosylphosphatidylinositol deficiency. Last evaluated: 2024-05-15. Review status: criteria provided, single submitter. Criteria: Invitae Variant Classification Sherloc (09022015). Collection method: clinical testing. Allele origin: germline.
Comment: This sequence change replaces lysine, which is basic and polar, with methionine, which is neutral and non-polar, at codon 383 of the PIGM protein (p.Lys383Met). This variant is not present in population databases (gnomAD no frequency). This variant has not been reported in the literature in individuals affected with PIGM-related conditions. Advanced modeling of protein sequence and biophysical properties (such as structural, functional, and spatial information, amino acid conservation, physicochemical variation, residue mobility, and thermodynamic stability) performed at Invitae indicates that this missense variant is not expected to disrupt PIGM protein function with a negative predictive value of 80%. In summary, the available evidence is currently insufficient to determine the role of this variant in disease. Therefore, it has been classified as a Variant of Uncertain Significance.